The following is an entry in ClinVar:

ClinVar aggregate classification (germline): Benign. Review status: criteria provided, multiple submitters, no conflicts (2 of 4 stars). 3 submissions from 3 submitters: Benign (3). Last evaluated 2026-01-19.

Conditions:
Ulnar-mammary syndrome (UMS). Also called: SCHINZEL SYNDROME; Ulnar-mammary syndrome of Pallister; PALLISTER ULNAR-MAMMARY SYNDROME. Identifiers: Orphanet 3138, MedGen C1866994, MONDO:0008411, OMIM 181450.

Allele frequency attached by ClinVar (database versions not stated): gnomAD 0.22845 and 0.23171; TOPMed 0.24343; 1000 Genomes Project 30x 0.24891; 1000 Genomes Project 0.25679; gnomAD exomes 0.26751.
gnomAD v4.1: 54,680 of 223,952 alleles (24%); highest among the groups gnomAD compares: Admixed American, 39%; 7,702 homozygotes.

Submissions (3):

Labcorp Genetics (formerly Invitae), Labcorp
Classification: Benign for Ulnar-mammary syndrome. Last evaluated: 2026-01-19. Review status: criteria provided, single submitter. Criteria: Invitae Variant Classification Sherloc (09022015). Collection method: clinical testing. Allele origin: germline.

Illumina Laboratory Services, Illumina
Classification: Benign for Ulnar-mammary syndrome. Last evaluated: 2018-01-13. Review status: criteria provided, single submitter. Criteria: ICSL Variant Classification Criteria 13 December 2019. Collection method: clinical testing. Allele origin: germline.
Comment: This variant was observed in the ICSL laboratory as part of a predisposition screen in an ostensibly healthy population. It had not been previously curated by ICSL or reported in the Human Gene Mutation Database (HGMD: prior to June 1st, 2018), and was therefore a candidate for classification through an automated scoring system. Utilizing variant allele frequency, disease prevalence and penetrance estimates, and inheritance mode, an automated score was calculated to assess if this variant is too frequent to cause the disease. Based on the score and internal cut-off values, a variant classified as benign is not then subjected to further curation. The score for this variant resulted in a classification of benign for this disease.

Breakthrough Genomics
Classification: Benign. Review status: criteria provided, single submitter. Criteria: ACMG Guidelines, 2015. Collection method: not provided. Allele origin: germline. Inheritance: Autosomal dominant inheritance. Affected: yes.

NM_005996.4(TBX3):c.*1510A>G

Gene: TBX3 (T-box transcription factor 3; minus strand). Cytogenetic location: 12q24.21.
Variant type: single nucleotide variant.
Coding change: c.*1510A>G on transcript NM_005996.4 (MANE Select); 1510 bases downstream of the stop codon, A replaced by G.
Molecular consequence: 3 prime UTR variant.
Genome position (GRCh38, 1-based): chr12:114,670,331, T>C on the plus strand (A>G on the coding strand, the complement: TBX3 is on the minus strand). VCF-style: chr12-114670331-T-C. GRCh37 (hg19) VCF-style: chr12-115108136-T-C.
Other names: c.*1510A>G (NM_016569.4).
Identifiers: ClinVar variation 307325 (VCV000307325.13), dbSNP rs1061657, ClinGen allele CA10641055.